The following is an entry in ClinVar:

NM_007294.4(BRCA1):c.4736_4739del (p.Pro1579fs)

Gene: BRCA1 (BRCA1 DNA repair associated; minus strand). Cytogenetic location: 17q21.31.
Variant type: Deletion.
Coding change: c.4736_4739del on transcript NM_007294.4 (MANE Select); coding-DNA positions 4736 to 4739, 4 bases deleted (CTTC; older notation c.4736_4739delCTTC).
Protein change: p.Pro1579fs; shifts the reading frame from proline 1579.
Molecular consequence: frameshift variant. On other transcripts: non-coding transcript variant (1).
Genome position (GRCh38, 1-based): chr17:43,071,175-43,071,178, GAAG deleted on the plus strand (CTTC on the coding strand, the reverse complement: BRCA1 is on the minus strand); deleting any 4 consecutive bases within chr17:43,071,175-43,071,180 gives the same sequence; the c. name uses the placement nearest the transcript's 3' end. VCF-style (leftmost placement, unchanged base first): chr17-43071174-AGAAG-A. GRCh37 (hg19) VCF-style: chr17-41223191-AGAAG-A.
Other names: c.4736_4739delCTTC (NM_007294.3); c.4521_4524delTCCT, p.Pro1508Leufs (NM_001407571.1, NM_001407894.1, NM_001407895.1 and 12 more transcripts); c.4800_4803delTCCT, p.Pro1601Leufs (NM_001407581.1, NM_001407582.1); c.4797_4800delTCCT, p.Pro1600Leufs (NM_001407583.1, NM_001407585.1, NM_001407587.1); c.4794_4797delTCCT, p.Pro1599Leufs (NM_001407590.1, NM_001407591.1); c.4734_4737delTCCT, p.Pro1579Leufs (NM_001407593.1, NM_001407594.1, NM_001407596.1 and 9 more transcripts); c.4731_4734delTCCT, p.Pro1578Leufs (NM_001407610.1, NM_001407611.1, NM_001407612.1 and 17 more transcripts); c.4728_4731delTCCT, p.Pro1577Leufs (NM_001407627.1, NM_001407628.1, NM_001407629.1 and 14 more transcripts); and 74 more; short protein forms P1532fs, P1600fs, P1579fs, P475fs.
Identifiers: ClinVar variation 491087 (VCV000491087.16), dbSNP rs1555581017, ClinGen allele CA658684116.

ClinVar aggregate classification (germline): Pathogenic. Review status: criteria provided, multiple submitters, no conflicts (2 of 4 stars). 3 submissions from 3 submitters: Pathogenic (3). Last evaluated 2025-08-07.

Conditions:
Hereditary breast ovarian cancer syndrome. Also called: Breast and ovarian cancer; Hereditary breast and/or ovarian cancer syndrome; BRCA1- and BRCA2-Associated Hereditary Breast and Ovarian Cancer; Hereditary breast and ovarian cancer syndrome; Hereditary breast and ovarian cancer syndrome (HBOC); Hereditary breast and ovarian cancer. Identifiers: Orphanet 145, MedGen C0677776, MeSH D061325, MONDO:0003582. Disease mechanism: loss of function.
Breast-ovarian cancer, familial, susceptibility to, 1 (BROVCA1). Also called: BRCA1 Hereditary Breast and Ovarian Cancer; OVARIAN CANCER, SUSCEPTIBILITY TO. Identifiers: Orphanet 145, MedGen C2676676, MONDO:0011450, OMIM 604370. Disease mechanism: loss of function.
Hereditary cancer-predisposing syndrome. Also called: Tumor predisposition; Hereditary Cancer Syndrome; Hereditary neoplastic syndrome; Neoplastic Syndromes, Hereditary. Identifiers: Orphanet 140162, MedGen C0027672, MeSH D009386, MONDO:0015356.

Submissions (3):

Labcorp Genetics (formerly Invitae), Labcorp
Classification: Pathogenic for Hereditary breast ovarian cancer syndrome. Last evaluated: 2025-08-07. Review status: criteria provided, single submitter. Criteria: Invitae Variant Classification Sherloc (09022015). Collection method: clinical testing. Allele origin: germline.
Comment: This sequence change creates a premature translational stop signal (p.Pro1579Leufs*21) in the BRCA1 gene. It is expected to result in an absent or disrupted protein product. Loss-of-function variants in BRCA1 are known to be pathogenic (PMID: 20104584). This variant is not present in population databases (gnomAD no frequency). This premature translational stop signal has been observed in individual(s) with hereditary breast and ovarian cancer syndrome (PMID: 27425403, 29161300, 29907814). ClinVar contains an entry for this variant (Variation ID: 491087). For these reasons, this variant has been classified as Pathogenic.

Color Diagnostics, LLC DBA Color Health
Classification: Pathogenic for Hereditary cancer-predisposing syndrome. Last evaluated: 2021-01-15. Review status: criteria provided, single submitter. Criteria: ACMG Guidelines, 2015. Collection method: clinical testing. Allele origin: germline.
Comment: This variant deletes 4 nucleotides in exon 15 of the BRCA1 gene, creating a frameshift and premature translation stop signal. This variant is expected to result in an absent or non-functional protein product. This variant has been observed in at least two suspected hereditary breast and ovarian cancer families (PMID: 27425403, 29161300, 29907814; Color internal data). This variant has not been identified in the general population by the Genome Aggregation Database (gnomAD). Loss of BRCA1 function is a known mechanism of disease. Based on the available evidence, this variant is classified as Pathogenic.

Mendelics
Classification: Pathogenic for Breast-ovarian cancer, familial, susceptibility to, 1. Last evaluated: 2019-05-28. Review status: criteria provided, single submitter. Criteria: Mendelics Assertion Criteria 2017. Collection method: clinical testing. Allele origin: unknown.

Literature cited by the submitters: PubMed 20104584 (cited by Labcorp Genetics (formerly Invitae), Labcorp); PubMed 27425403 (cited by Labcorp Genetics (formerly Invitae), Labcorp); PubMed 29161300 (cited by Labcorp Genetics (formerly Invitae), Labcorp); PubMed 29907814 (cited by Labcorp Genetics (formerly Invitae), Labcorp).